The following is an entry in ClinVar:

ClinVar aggregate classification (germline): Benign. Review status: criteria provided, single submitter (1 of 4 stars). 2 submissions from 2 submitters: Benign (1). 1 of the submissions does not count toward it. Last evaluated 2025-10-01.

Conditions:
LIPG-related disorder. Also called: LIPG-related condition.

Allele frequency attached by ClinVar (database versions not stated): gnomAD exomes 0.00027; ExAC 0.00038; 1000 Genomes Project 30x 0.00094; gnomAD 0.00098; 1000 Genomes Project 0.00100; TOPMed 0.00125; ESP Exome Variant Server 0.00131.
gnomAD v4.1: 542 of 1,613,986 alleles (0.034%); highest among the groups gnomAD compares: African/African-American, 0.4%; 1 homozygote.

Submissions (2):

Labcorp Genetics (formerly Invitae), Labcorp
Classification: Benign. Last evaluated: 2025-10-01. Review status: criteria provided, single submitter. Criteria: Invitae Variant Classification Sherloc (09022015). Collection method: clinical testing. Allele origin: germline.

PreventionGenetics, part of Exact Sciences
Classification: Likely benign for LIPG-related condition. Last evaluated: 2019-09-17. Review status: no assertion criteria provided. Collection method: clinical testing. Allele origin: germline. Not counted in ClinVar's aggregate classification.
Comment: This variant is classified as likely benign based on ACMG/AMP sequence variant interpretation guidelines (Richards et al. 2015 PMID: 25741868, with internal and published modifications).

NM_006033.4(LIPG):c.630G>A (p.Pro210=)

Gene: LIPG (lipase G, endothelial type; plus strand). Cytogenetic location: 18q21.1.
Variant type: single nucleotide variant.
Coding change: c.630G>A on transcript NM_006033.4 (MANE Select); coding-DNA position 630, G replaced by A.
Protein change: p.Pro210=; no amino-acid change (proline 210 retained).
Molecular consequence: synonymous variant. On other transcripts: intron variant (1).
Genome position (GRCh38, 1-based): chr18:49,575,427, G>A. VCF-style: chr18-49575427-G-A. GRCh37 (hg19) VCF-style: chr18-47101797-G-A.
Other names: c.630G>A (NM_006033.3); c.571+5879G>A (NM_001308006.2).
Identifiers: ClinVar variation 2075888 (VCV002075888.6), dbSNP rs61762476, ClinGen allele CA8959175.